The following is an entry in ClinVar:

NM_020699.4(GATAD2B):c.1055C>T (p.Ala352Val)

Gene: GATAD2B (GATA zinc finger domain containing 2B; minus strand). Cytogenetic location: 1q21.3.
Variant type: single nucleotide variant.
Coding change: c.1055C>T on transcript NM_020699.4 (MANE Select); coding-DNA position 1055, C replaced by T.
Protein change: p.Ala352Val; replaces alanine 352 with valine.
Molecular consequence: missense variant.
Genome position (GRCh38, 1-based): chr1:153,816,434, G>A on the plus strand (C>T on the coding strand, the complement: GATAD2B is on the minus strand). VCF-style: chr1-153816434-G-A. GRCh37 (hg19) VCF-style: chr1-153788910-G-A.
Other names: short protein forms A352V.
Identifiers: ClinVar variation 4736749 (VCV004736749.1).
Genomic context (GRCh38, chr1:153,816,434, plus strand): 5'-GGTTTAGGGGGTGGGATCTCCAGGAGTGTCTTTTCCAGCTGTTTGCGAAGAGCCAATTTG[G>A]CTGCAGCCTGTGAGTTGGCAGCATCAGTCATGGCGCTGGGGCTAGGAAGTGGCGAGGACA-3'
Protein context (NP_065750.1, residues 342-362): MTDAANSQAA[Ala352Val]KLALRKQLEK

ClinVar aggregate classification (germline): Uncertain significance (1 of 4 stars; one submission).

Submission:

Labcorp Genetics (formerly Invitae), Labcorp
Classification: Uncertain significance. Last evaluated: 2025-03-19. Review status: criteria provided, single submitter. Criteria: Invitae Variant Classification Sherloc (09022015). Collection method: clinical testing. Allele origin: germline.
Comment: This sequence change replaces alanine, which is neutral and non-polar, with valine, which is neutral and non-polar, at codon 352 of the GATAD2B protein (p.Ala352Val). This variant is not present in population databases (gnomAD no frequency). This variant has not been reported in the literature in individuals affected with GATAD2B-related conditions. Invitae Evidence Modeling of protein sequence and biophysical properties (such as structural, functional, and spatial information, amino acid conservation, physicochemical variation, residue mobility, and thermodynamic stability) indicates that this missense variant is expected to disrupt GATAD2B protein function with a positive predictive value of 80%. In summary, the available evidence is currently insufficient to determine the role of this variant in disease. Therefore, it has been classified as a Variant of Uncertain Significance.